The following is an entry in ClinVar:

ClinVar aggregate classification (germline): Conflicting classifications of pathogenicity. Review status: criteria provided, conflicting classifications (1 of 4 stars). 2 submissions from 2 submitters: Likely pathogenic (1); Uncertain significance (1). Last evaluated 2026-03-13.

Conditions:
Weaver syndrome (WVS). Also called: Weaver Smith syndrome; Overgrowth syndrome with accelerated skeletal maturation, unusual facies, and camptodactyly. Identifiers: Orphanet 3447, MedGen C0265210, MONDO:0010193, OMIM 277590.

Submissions (2):

GeneDx
Classification: Uncertain significance. Last evaluated: 2026-03-13. Review status: criteria provided, single submitter. Criteria: GeneDx Variant Classification Process June 2021. Collection method: clinical testing. Allele origin: germline.
Comment: Not observed at significant frequency in large population cohorts (gnomAD); In silico analysis supports that this missense variant has a deleterious effect on protein structure/function; Has not been previously published as pathogenic or benign to our knowledge

Laboratoire de Génétique Moléculaire, CHU Bordeaux
Classification: Likely pathogenic for Weaver syndrome. Last evaluated: 2022-09-30. Review status: criteria provided, single submitter. Criteria: ACMG Guidelines, 2015. Collection method: clinical testing. Allele origin: germline. Affected: yes.

NM_004456.5(EZH2):c.1882G>A (p.Gly628Ser)

Gene: EZH2 (enhancer of zeste 2 polycomb repressive complex 2 subunit; minus strand). Cytogenetic location: 7q36.1.
Variant type: single nucleotide variant.
Coding change: c.1882G>A on transcript NM_004456.5 (MANE Select); coding-DNA position 1882, G replaced by A.
Protein change: p.Gly628Ser; replaces glycine 628 with serine.
Molecular consequence: missense variant.
Genome position (GRCh38, 1-based): chr7:148,811,690, C>T on the plus strand (G>A on the coding strand, the complement: EZH2 is on the minus strand). VCF-style: chr7-148811690-C-T. GRCh37 (hg19) VCF-style: chr7-148508782-C-T.
Other names: c.1867G>A, p.Gly623Ser (NM_001203247.2); c.1840G>A, p.Gly614Ser (NM_001203248.2); c.1714G>A, p.Gly572Ser (NM_001203249.2); c.1750G>A, p.Gly584Ser (NM_152998.3); short protein forms G572S, G584S, G614S, G623S, G628S.
Identifiers: ClinVar variation 2442387 (VCV002442387.2), dbSNP rs2129469054, ClinGen allele CA369713162.